The following is an entry in ClinVar:

NM_000371.4(TTR):c.283A>T (p.Thr95Ser)

Gene: TTR (transthyretin; plus strand). Cytogenetic location: 18q12.1.
Variant type: single nucleotide variant.
Coding change: c.283A>T on transcript NM_000371.4 (MANE Select); coding-DNA position 283, A replaced by T.
Protein change: p.Thr95Ser; replaces threonine 95 with serine.
Molecular consequence: missense variant.
Genome position (GRCh38, 1-based): chr18:31,595,202, A>T. VCF-style: chr18-31595202-A-T. GRCh37 (hg19) VCF-style: chr18-29175165-A-T.
Other names: p.T95S:ACC>TCC; short protein forms T95S.
Identifiers: ClinVar variation 181703 (VCV000181703.3), dbSNP rs730881170, ClinGen allele CA297542.

ClinVar aggregate classification (germline): Uncertain significance (1 of 4 stars; one submission).

Submission:

GeneDx
Classification: Uncertain significance. Last evaluated: 2023-02-16. Review status: criteria provided, single submitter. Criteria: GeneDx Variant Classification Process June 2021. Collection method: clinical testing. Allele origin: germline. Affected: yes.
Comment: Not observed at significant frequency in large population cohorts (gnomAD); In silico analysis supports that this missense variant has a deleterious effect on protein structure/function; Has not been previously published as pathogenic or benign to our knowledge